The following is an entry in ClinVar:

ClinVar aggregate classification (germline): Likely benign (1 of 4 stars; one submission).

Allele frequency attached by ClinVar (database versions not stated): gnomAD exomes 0.00001; gnomAD 0.00003; TOPMed below 0.00001.
gnomAD v4.1: 19 of 1,613,882 alleles (0.0012%); highest among the groups gnomAD compares: Non-Finnish European, 0.0014%; no homozygotes.

Submission:

CeGaT Center for Human Genetics Tuebingen
Classification: Likely benign. Last evaluated: 2022-04-01. Review status: criteria provided, single submitter. Criteria: CeGaT Center For Human Genetics Tuebingen Variant Classification Criteria Version 2. Collection method: clinical testing. Allele origin: germline. Affected: yes. Observed: 1 variant allele.
Comment: NRIP1: BP4

NM_003489.4(NRIP1):c.1308C>G (p.Ser436=)

Gene: NRIP1 (nuclear receptor interacting protein 1; minus strand). Cytogenetic location: 21q11.2.
Variant type: single nucleotide variant.
Coding change: c.1308C>G on transcript NM_003489.4 (MANE Select); coding-DNA position 1308, C replaced by G.
Protein change: p.Ser436=; no amino-acid change (serine 436 retained).
Molecular consequence: synonymous variant.
Genome position (GRCh38, 1-based): chr21:14,966,885, G>C on the plus strand (C>G on the coding strand, the complement: NRIP1 is on the minus strand). VCF-style: chr21-14966885-G-C. GRCh37 (hg19) VCF-style: chr21-16339206-G-C.
Identifiers: ClinVar variation 2652570 (VCV002652570.24), dbSNP rs1469575667, ClinGen allele CA511671967.